The following is an entry in ClinVar:

ClinVar aggregate classification (germline): Likely benign. Review status: criteria provided, multiple submitters, no conflicts (2 of 4 stars). 4 submissions from 4 submitters: Likely benign (2). 2 of the submissions do not count toward it. Last evaluated 2025-12-09.

Conditions:
EYS-related disorder. Also called: EYS-related condition.
Autosomal recessive retinitis pigmentosa. Identifiers: MedGen C0339526.

Allele frequency attached by ClinVar (database versions not stated): gnomAD exomes 0.00004 and 0.00011; ExAC 0.00022; TOPMed 0.00036; ESP Exome Variant Server 0.00044; gnomAD 0.00046 and 0.00051.
gnomAD v4.1: 120 of 1,544,884 alleles (0.0078%); highest among the groups gnomAD compares: African/African-American, 0.16%; 1 homozygote.

Submissions (4):

Labcorp Genetics (formerly Invitae), Labcorp
Classification: Likely benign. Last evaluated: 2025-12-09. Review status: criteria provided, single submitter. Criteria: Invitae Variant Classification Sherloc (09022015). Collection method: clinical testing. Allele origin: germline.

Blueprint Genetics
Classification: Likely benign. Last evaluated: 2022-08-30. Review status: criteria provided, single submitter. Criteria: ACMG Guidelines, 2015. Collection method: clinical testing. Allele origin: germline.

PreventionGenetics, part of Exact Sciences
Classification: Likely benign for EYS-related condition. Last evaluated: 2024-08-27. Review status: no assertion criteria provided. Collection method: clinical testing. Allele origin: germline. Not counted in ClinVar's aggregate classification.
Comment: This variant is classified as likely benign based on ACMG/AMP sequence variant interpretation guidelines (Richards et al. 2015 PMID: 25741868, with internal and published modifications).

Natera, Inc.
Classification: Uncertain significance for Autosomal recessive retinitis pigmentosa. Last evaluated: 2020-09-03. Review status: no assertion criteria provided. Collection method: clinical testing. Allele origin: germline. Not counted in ClinVar's aggregate classification.

NM_001142800.2(EYS):c.6828C>T (p.Ala2276=)

Gene: EYS (EGF-like photoreceptor maintenance factor; minus strand). Cytogenetic location: 6q12.
Variant type: single nucleotide variant.
Coding change: c.6828C>T on transcript NM_001142800.2 (MANE Select); coding-DNA position 6828, C replaced by T.
Protein change: p.Ala2276=; no amino-acid change (alanine 2276 retained).
Molecular consequence: synonymous variant.
Genome position (GRCh38, 1-based): chr6:63,999,081, G>A on the plus strand (C>T on the coding strand, the complement: EYS is on the minus strand). VCF-style: chr6-63999081-G-A. GRCh37 (hg19) VCF-style: chr6-64708974-G-A.
Other names: c.6828C>T, p.Ala2276= (NM_001292009.2); c.6828C>T (NM_001142800.1).
Identifiers: ClinVar variation 991103 (VCV000991103.11), dbSNP rs373606872, ClinGen allele CA3876875.